The following is an entry in ClinVar:

NM_018475.5(TMEM165):c.41C>T (p.Pro14Leu)

Genes: TMEM165 (transmembrane protein 165; plus strand), LOC129992613 (ATAC-STARR-seq lymphoblastoid silent region 15439; plus strand). Cytogenetic location: 4q12.
Variant type: single nucleotide variant.
Coding change: c.41C>T on transcript NM_018475.5 (MANE Select); coding-DNA position 41, C replaced by T.
Protein change: p.Pro14Leu; replaces proline 14 with leucine.
Molecular consequence: missense variant. On other transcripts: non-coding transcript variant (1).
Genome position (GRCh38, 1-based): chr4:55,396,230, C>T. VCF-style: chr4-55396230-C-T. GRCh37 (hg19) VCF-style: chr4-56262397-C-T.
Other names: short protein forms P14L.
Identifiers: ClinVar variation 1422392 (VCV001422392.3), dbSNP rs2109509637, ClinGen allele CA356958674.

ClinVar aggregate classification (germline): Uncertain significance (1 of 4 stars; one submission).

Conditions:
TMEM165-congenital disorder of glycosylation. Also called: Congenital disorder of glycosylation type 2k; TMEM165-CDG; CDG IIk. Identifiers: Orphanet 314667, MedGen C3553571, MONDO:0013870, OMIM 614727.

gnomAD v4.1: 5 of 1,473,156 alleles (0.00034%); highest among the groups gnomAD compares: Middle Eastern, 0.035%; no homozygotes.

Submission:

Labcorp Genetics (formerly Invitae), Labcorp
Classification: Uncertain significance for TMEM165-congenital disorder of glycosylation. Last evaluated: 2021-09-18. Review status: criteria provided, single submitter. Criteria: Invitae Variant Classification Sherloc (09022015). Collection method: clinical testing. Allele origin: germline.
Comment: This sequence change replaces proline with leucine at codon 14 of the TMEM165 protein (p.Pro14Leu). The proline residue is weakly conserved and there is a moderate physicochemical difference between proline and leucine. The frequency data for this variant in the population databases is considered unreliable, as metrics indicate insufficient coverage at this position in the ExAC database. This variant has not been reported in the literature in individuals affected with TMEM165-related conditions. Algorithms developed to predict the effect of missense changes on protein structure and function output the following: SIFT: "Tolerated"; PolyPhen-2: "Not Available"; Align-GVGD: "Class C0". The leucine amino acid residue is found in multiple mammalian species, which suggests that this missense change does not adversely affect protein function. In summary, the available evidence is currently insufficient to determine the role of this variant in disease. Therefore, it has been classified as a Variant of Uncertain Significance.